The following is an entry in ClinVar:

NM_001276270.2(MBD4):c.1187A>G (p.Asp396Gly)

Gene: MBD4 (methyl-CpG binding domain 4, DNA glycosylase; minus strand). Cytogenetic location: 3q21.3.
Variant type: single nucleotide variant.
Coding change: c.1187A>G on transcript NM_001276270.2 (MANE Select); coding-DNA position 1187, A replaced by G.
Protein change: p.Asp396Gly; replaces aspartic acid 396 with glycine.
Molecular consequence: missense variant.
Genome position (GRCh38, 1-based): chr3:129,434,133, T>C on the plus strand (A>G on the coding strand, the complement: MBD4 is on the minus strand). VCF-style: chr3-129434133-T-C. GRCh37 (hg19) VCF-style: chr3-129152976-T-C.
Other names: c.1205A>G, p.Asp402Gly (NM_001276271.2, NM_001276272.2, NM_003925.3); c.251A>G, p.Asp84Gly (NM_001276273.2); short protein forms D84G, D396G, D402G.
Identifiers: ClinVar variation 4104653 (VCV004104653.1).

ClinVar aggregate classification (germline): Uncertain significance (1 of 4 stars; one submission).

Conditions:
Inborn genetic diseases. Identifiers: MedGen C0950123, MeSH D030342.

Submission:

Ambry Genetics
Classification: Uncertain significance for Inborn genetic diseases. Last evaluated: 2025-08-20. Review status: criteria provided, single submitter. Criteria: Ambry Variant Classification Scheme 2023. Collection method: clinical testing. Allele origin: germline.
Comment: The p.D396G variant (also known as c.1187A>G), located in coding exon 4 of the MBD4 gene, results from an A to G substitution at nucleotide position 1187. The aspartic acid at codon 396 is replaced by glycine, an amino acid with similar properties. This amino acid position is conserved. In addition, the in silico prediction for this alteration is inconclusive. Based on the available evidence, the clinical significance of this variant remains unclear.